The following is an entry in ClinVar:

NM_000492.4(CFTR):c.1210-11delinsGTG

Genes: CFTR (CF transmembrane conductance regulator; plus strand), CFTR-AS1 (CFTR antisense RNA 1; minus strand). Cytogenetic location: 7q31.2.
Variant type: Indel.
Coding change: c.1210-11delinsGTG on transcript NM_000492.4 (MANE Select); 11 bases into the intron before coding-DNA position 1210, T replaced by GTG.
Molecular consequence: intron variant.
Genome position (GRCh38, 1-based): chr7:117,548,630, T replaced by GTG. VCF-style: chr7-117548630-T-GTG. GRCh37 (hg19) VCF-style: chr7-117188684-T-GTG.
Identifiers: ClinVar variation 818605 (VCV000818605.24), dbSNP rs1584793368, ClinGen allele CA915945481.

ClinVar aggregate classification (germline): Pathogenic. Review status: criteria provided, multiple submitters, no conflicts (2 of 4 stars). 5 submissions from 5 submitters: Pathogenic (5). Last evaluated 2024-09-19.

Conditions:
Cystic fibrosis (CF). Also called: MUCOVISCIDOSIS. Identifiers: Orphanet 586, MedGen C0010674, MONDO:0009061, OMIM 219700. Disease mechanism: loss of function.
Congenital bilateral aplasia of vas deferens from CFTR mutation (CBAVD). Identifiers: Orphanet 48, MedGen C0403814, MONDO:0010178, OMIM 277180. Disease mechanism: loss of function.
Hereditary pancreatitis (PCTT). Also called: PRSS1-Related Hereditary Pancreatitis; Hereditary chronic pancreatitis. Identifiers: Orphanet 676, MedGen C0238339, MONDO:0008185, OMIM 167800.
Bronchiectasis with or without elevated sweat chloride 1 (BESC1). Also called: Cystic Fibrosis-Like Syndrome. Identifiers: Orphanet 60033, MedGen C2749757, MONDO:0008887, OMIM 211400.

Submissions (5):

Ambry Genetics
Classification: Pathogenic for Cystic fibrosis. Last evaluated: 2024-09-19. Review status: criteria provided, single submitter. Criteria: Ambry Variant Classification Scheme 2023. Collection method: clinical testing. Allele origin: germline.
Comment: The 5T variant, located in intron 9 of the CFTR gene, is an alteration within the poly-thymidine tract, which decreases the efficiency of exon 10 splicing. The 5T variant in trans with a pathogenic CFTR mutation, or in the homozygous state, has been associated with CFTR-related disorders, including bronchiectasis (Sosnay PR et al. Pediatr. Clin. North Am., 2016 08;63:585-98), acute recurrent or chronic pancreatitis (Werlin S et al. J. Pediatr. Gastroenterol. Nutr., 2015 May;60:675-9; Masson E et al. PLoS ONE, 2013 Aug;8:e73522), and congenital bilateral absence of the vas deferens (CBAVD) (Bombieri C et al. J. Cyst. Fibros., 2011 Jun;10 Suppl 2:S86-102). The effect of 5T on exon 10 splicing is influenced by the adjacent TG tract, which usually consists of 11, 12, or 13 TG repeats. Increasing TG tract length correlates with decreased amount of full-length CFTR, thereby leading to higher likelihood of a cystic fibrosis phenotype (Sosnay PR et al. Pediatr. Clin. North Am., 2016 08;63:585-98); information regarding the number of TG repeats adjacent to the 5T allele is limited in pancreatitis and bronchiectasis research (Mantovani V et al. Clin. Chem., 2007 Mar;53:531-3; Bombieri C et al. J. Cyst. Fibros., 2011 Jun;10 Suppl 2:S86-102).

ARUP Laboratories, Molecular Genetics and Genomics, ARUP Laboratories
Classification: Pathogenic. Last evaluated: 2023-05-04. Review status: criteria provided, single submitter. Criteria: ARUP Molecular Germline Variant Investigation Process 2024. Collection method: clinical testing. Allele origin: germline.
Comment: The CFTR 13TG-5T variant is reported in patients diagnosed with cystic fibrosis or congenital bilateral absence of vas deferens (Groman 2004, Lin 2008, CFTR2 database). Functional characterization of the variant indicates a reduction in the full-length CFTR mRNA, with increased incidence of exon 9 being skipped due to aberrant splicing (Hefferon 2004). Based on available information, this variant is considered to be pathogenic with varying clinical consequences. References: Link to CFTR2 database: Groman J et al. Variation in a repeat sequence determines whether a common variant of the cystic fibrosis transmembrane conductance regulator gene is pathogenic or benign. Am J Hum Genet. 2004 74(1):176-9. Hefferon T et al. A variable dinucleotide repeat in the CFTR gene contributes to phenotype diversity by forming RNA secondary structures that alter splicing. Proc Natl Acad Sci U S A. 2004 101(10):3504-9. Lin C et al. Phenotype and genotype of two Taiwanese cystic fibrosis siblings and a survey of delta F508 in East Asians. Pediatr Neonatol. 2008 49(6):240-4.

Labcorp Genetics (formerly Invitae), Labcorp
Classification: Pathogenic for Cystic fibrosis. Last evaluated: 2021-12-18. Review status: criteria provided, single submitter. Criteria: Invitae Variant Classification Sherloc (09022015). Collection method: clinical testing. Allele origin: germline.
Comment: This sequence change, also referred to as 5T;TG13 or TG13-5T in the literature, consists of 13 TG and 5 T sequence repeats on the same chromosome, and is located in intron 9 of the CFTR gene. It does not directly change the encoded amino acid sequence of the CFTR protein. This variant is not present in population databases (gnomAD no frequency). The TG[13]T[5] allele has been observed in males with congenital bilateral absence of the vas deferens (CBAVD) and in both males and females with cystic fibrosis (CF), when homozygous or present on the opposite chromosome (in trans) from a second, pathogenic CFTR variant (PMID: 14685937). When this allele is observed in trans with a severe pathogenic CFTR variant, the penetrance of CFTR-related conditions (CBAVD and/or non-classic CF) is expected to be complete (>95%); however, the penetrance of classic CF is intermediate (~60%) (PMID: 14685937, 27447098). Algorithms developed to predict the effect of variants on protein structure and function are not available or were not evaluated for this variant. Experimental studies demonstrate that the 5T allele leads to exclusion of exon 10 (referred to as exon 9 in some publications) from the mRNA, which ultimately results in a non-functional CFTR protein (PMID: 7691356, 7684641, 10556281, 14685937, 21658649). Importantly, the number of TG repeats (11, 12 or 13) modifies the extent of exon 10 skipping when in cis with the 5T allele (PMID: 14685937, 10556281, 9435322). In a mini-gene assay, the percentage of CFTR mRNA without exon 10 was 54% for TG[11]T[5], 72% for TG[12]T[5] and 100% for TG[13]T[5] (PMID: 10556281). For these reasons, this variant has been classified as Pathogenic.

GeneDx
Classification: Pathogenic. Last evaluated: 2021-02-18. Review status: criteria provided, single submitter. Criteria: GeneDx Variant Classification Process June 2021. Collection method: clinical testing. Allele origin: germline. Affected: yes.
Comment: Consists of 5 T nucleotides in the CFTR intron 9 poly T tract with 13 TG repeats present immediately upstream in the polymorphic TG tract; Classified as a variant of varying clinical consequence in a well-curated database (CFTR2); Published functional studies demonstrate a damaging effect: less effective usage of the intron 9 acceptor site, frequent skipping of exon 10, and reduced levels of functional CFTR protein (Chu 1993, Hefferon 2004); Observed multiple times with a pathogenic variant on the opposite allele (in trans) in individuals with clinical features of cystic fibrosis and/or CAVD as well as asymptomatic individuals in the published literature (Groman 2004, Ong 2017); Observed in individuals with pancreatitis; however, a case-control study did not show an increased risk for pancreatitis in association with the 5T allele (Noone 2001, Schneider 2011, LaRusch 2014); 5T;TG13 may result in CF symptoms and/or male infertility when in trans with a CF-causing variant; the severity of the CF symptoms may also be influenced by the presence of other CFTR variants (e.g. R117H) in cis with 5T (CFTR2, Ong 2017); This variant is associated with the following publications: (PMID: 14685937, 11729110, 20977904, 25033378, 26989879, 11354633, 19318035, 27447098, 17394391, 17413420, 17127107, 15070876, 17609059, 22842702, 23554779, 7684646, 17539902, 15562283, 9435322, 23092102, 27488005, 16778595, 14993601, 15905293)

Juno Genomics, Hangzhou Juno Genomics, Inc
Classification: Pathogenic for Bronchiectasis with or without elevated sweat chloride 1; Hereditary pancreatitis; Congenital bilateral aplasia of vas deferens from CFTR mutation; Cystic fibrosis. Review status: criteria provided, single submitter. Criteria: ACMG Guidelines, 2015. Collection method: clinical testing. Allele origin: germline.
Comment: Null variant in a gene where loss of function (LOF) is a known mechanism of disease.;The prevalence of the variant in affected individuals is significantly increased compared to the prevalence in controls.;For recessive disorders, detected in trans with a pathogenic variant.

Literature cited by the submitters: PubMed 14685937 (cited by Labcorp Genetics (formerly Invitae), Labcorp); PubMed 27447098 (cited by Labcorp Genetics (formerly Invitae), Labcorp); PubMed 7691356 (cited by Labcorp Genetics (formerly Invitae), Labcorp); PubMed 7684641 (cited by Labcorp Genetics (formerly Invitae), Labcorp); PubMed 10556281 (cited by Labcorp Genetics (formerly Invitae), Labcorp); PubMed 21658649 (cited by Labcorp Genetics (formerly Invitae), Labcorp); PubMed 9435322 (cited by Labcorp Genetics (formerly Invitae), Labcorp).